The following is an entry in ClinVar:

ClinVar aggregate classification (germline): Uncertain significance (1 of 4 stars; one submission).

Conditions:
Baller-Gerold syndrome (BGS). Also called: CRANIOSYNOSTOSIS WITH RADIAL DEFECTS. Identifiers: Orphanet 1225, MedGen C0265308, MONDO:0009039, OMIM 218600.

Allele frequency attached by ClinVar (database versions not stated): ESP Exome Variant Server 0.00008.
gnomAD v4.1: 22 of 1,612,526 alleles (0.0014%); highest among the groups gnomAD compares: Non-Finnish European, 0.0016%; no homozygotes.

Submission:

Labcorp Genetics (formerly Invitae), Labcorp
Classification: Uncertain significance for Baller-Gerold syndrome. Last evaluated: 2025-03-03. Review status: criteria provided, single submitter. Criteria: Invitae Variant Classification Sherloc (09022015). Collection method: clinical testing. Allele origin: germline.
Comment: This sequence change replaces arginine with proline at codon 355 of the RECQL4 protein (p.Arg355Pro). The arginine residue is highly conserved and there is a moderate physicochemical difference between arginine and proline. This variant is present in population databases (rs374743591, gnomAD 0.005%). This variant has not been reported in the literature in individuals affected with RECQL4-related conditions. ClinVar contains an entry for this variant (Variation ID: 659967). Invitae Evidence Modeling of protein sequence and biophysical properties (such as structural, functional, and spatial information, amino acid conservation, physicochemical variation, residue mobility, and thermodynamic stability) indicates that this missense variant is expected to disrupt RECQL4 protein function with a positive predictive value of 80%. In summary, the available evidence is currently insufficient to determine the role of this variant in disease. Therefore, it has been classified as a Variant of Uncertain Significance.

NM_004260.4(RECQL4):c.1064G>C (p.Arg355Pro)

Gene: RECQL4 (RecQ like helicase 4; minus strand). Cytogenetic location: 8q24.3.
Variant type: single nucleotide variant.
Coding change: c.1064G>C on transcript NM_004260.4 (MANE Select); coding-DNA position 1064, G replaced by C.
Protein change: p.Arg355Pro; replaces arginine 355 with proline.
Molecular consequence: missense variant.
Genome position (GRCh38, 1-based): chr8:144,516,055, C>G on the plus strand (G>C on the coding strand, the complement: RECQL4 is on the minus strand). VCF-style: chr8-144516055-C-G. GRCh37 (hg19) VCF-style: chr8-145741439-C-G.
Other names: short protein forms R355P.
Identifiers: ClinVar variation 659967 (VCV000659967.7), dbSNP rs374743591, ClinGen allele CA4949087.